The following is an entry in ClinVar:

ClinVar aggregate classification (germline): Uncertain significance (1 of 4 stars; one submission).

Allele frequency attached by ClinVar (database versions not stated): gnomAD 0.00001.
gnomAD v4.1: 3 of 1,613,892 alleles (0.00019%); highest among the groups gnomAD compares: Non-Finnish European, 0.00017%; no homozygotes.

Submission:

Labcorp Genetics (formerly Invitae), Labcorp
Classification: Uncertain significance. Last evaluated: 2022-06-08. Review status: criteria provided, single submitter. Criteria: Invitae Variant Classification Sherloc (09022015). Collection method: clinical testing. Allele origin: germline.
Comment: This sequence change replaces aspartic acid, which is acidic and polar, with histidine, which is basic and polar, at codon 258 of the ELP1 protein (p.Asp258His). This variant is not present in population databases (gnomAD no frequency). This variant has not been reported in the literature in individuals affected with ELP1-related conditions. Algorithms developed to predict the effect of missense changes on protein structure and function are either unavailable or do not agree on the potential impact of this missense change (SIFT: "Tolerated"; PolyPhen-2: "Possibly Damaging"; Align-GVGD: "Class C0"). Algorithms developed to predict the effect of sequence changes on RNA splicing suggest that this variant may disrupt the consensus splice site. In summary, the available evidence is currently insufficient to determine the role of this variant in disease. Therefore, it has been classified as a Variant of Uncertain Significance.

NM_003640.5(ELP1):c.772G>C (p.Asp258His)

Gene: ELP1 (elongator acetyltransferase complex subunit 1; minus strand). Cytogenetic location: 9q31.3.
Variant type: single nucleotide variant.
Coding change: c.772G>C on transcript NM_003640.5 (MANE Select); coding-DNA position 772, G replaced by C.
Protein change: p.Asp258His; replaces aspartic acid 258 with histidine.
Molecular consequence: missense variant. On other transcripts: 5 prime UTR variant (1).
Genome position (GRCh38, 1-based): chr9:108,917,639, C>G on the plus strand (G>C on the coding strand, the complement: ELP1 is on the minus strand). VCF-style: chr9-108917639-C-G. GRCh37 (hg19) VCF-style: chr9-111679919-C-G.
Other names: c.430G>C, p.Asp144His (NM_001318360.2); c.-276G>C (NM_001330749.2); short protein forms D144H, D258H.
Identifiers: ClinVar variation 1929145 (VCV001929145.2), dbSNP rs1442524577, ClinGen allele CA374386424.
Genomic context (GRCh38, chr9:108,917,639, plus strand): 5'-AGTGTCCATGAAGGAGTCCATTTTTCTCAAAAAACACAATATCCTGCTGGTTGGGTTTAT[C>G]TTGTGTAGATGCAATCAAACTGCCTGAGGGTCTTAAAGCAAACTCAGAGTGTTACAATAT-3'
Protein context (NP_003631.2, residues 248-268): PSGSLIASTQ[Asp258His]KPNQQDIVFF